The following is an entry in ClinVar:

NM_006031.6(PCNT):c.3710A>G (p.His1237Arg)

Gene: PCNT (pericentrin; plus strand). Cytogenetic location: 21q22.3.
Variant type: single nucleotide variant.
Coding change: c.3710A>G on transcript NM_006031.6 (MANE Select); coding-DNA position 3710, A replaced by G.
Protein change: p.His1237Arg; replaces histidine 1237 with arginine.
Molecular consequence: missense variant.
Genome position (GRCh38, 1-based): chr21:46,389,301, A>G. VCF-style: chr21-46389301-A-G. GRCh37 (hg19) VCF-style: chr21-47809216-A-G.
Other names: c.3356A>G, p.His1119Arg (NM_001315529.2); short protein forms H1237R, H1119R.
Identifiers: ClinVar variation 211856 (VCV000211856.13), dbSNP rs761299168, ClinGen allele CA208370.

ClinVar aggregate classification (germline): Uncertain significance. Review status: criteria provided, multiple submitters, no conflicts (2 of 4 stars). 5 submissions from 5 submitters: Uncertain significance (5). Last evaluated 2025-06-21.

Conditions:
PCNT-related disorder. Also called: PCNT-related condition.
Microcephalic osteodysplastic primordial dwarfism type II (MOPD2). Also called: MOPD II; OSTEODYSPLASTIC PRIMORDIAL DWARFISM, TYPE II; Microcephalic osteodysplastic primordial dwarfism with tooth abnormalities. Identifiers: Orphanet 2637, MedGen C0432246, MONDO:0008872, OMIM 210720.

Allele frequency attached by ClinVar (database versions not stated): gnomAD 0.00002 and 0.00005; TOPMed 0.00003; ExAC 0.00004; gnomAD exomes 0.00004 and 0.00009.
gnomAD v4.1: 140 of 1,614,124 alleles (0.0087%); highest among the groups gnomAD compares: South Asian, 0.045%; no homozygotes.

Submissions (5):

PreventionGenetics, part of Exact Sciences
Classification: Uncertain significance for PCNT-related condition. Last evaluated: 2025-06-21. Review status: criteria provided, single submitter. Criteria: ACMG Guidelines, 2015. Collection method: clinical testing. Allele origin: germline.
Comment: The PCNT c.3710A>G variant is predicted to result in the amino acid substitution p.His1237Arg. This variant has been reported in a couple with recurrent pregnancy loss; however, it was unclear whether the affected fetus carried the variant (couple ID RPL2, Srivastava et al. 2023. PubMed ID: 37260775). This variant is reported in 0.033% of alleles in individuals of South Asian descent in gnomAD. At this time, the clinical significance of this variant is uncertain due to the absence of conclusive functional and genetic evidence.

Blueprint Genetics
Classification: Uncertain significance. Last evaluated: 2024-07-09. Review status: criteria provided, single submitter. Criteria: ACMG Guidelines, 2015. Collection method: clinical testing. Allele origin: germline.

GeneDx
Classification: Uncertain significance. Last evaluated: 2020-11-30. Review status: criteria provided, single submitter. Criteria: GeneDx Variant Classification Process June 2021. Collection method: clinical testing. Allele origin: germline. Affected: yes.
Comment: In silico analysis supports that this missense variant has a deleterious effect on protein structure/function; Missense variant in a gene in which most reported pathogenic variants are truncating/loss-of-function; Has not been previously published as pathogenic or benign to our knowledge

Genetic Services Laboratory, University of Chicago
Classification: Uncertain significance. Last evaluated: 2014-09-04. Review status: criteria provided, single submitter. Criteria: ACMG Guidelines, 2015. Collection method: clinical testing. Allele origin: germline.

Neuberg Centre For Genomic Medicine, NCGM
Classification: Uncertain significance for Microcephalic osteodysplastic primordial dwarfism type II. Review status: criteria provided, single submitter. Criteria: ACMG Guidelines, 2015. Collection method: clinical testing. Allele origin: germline. Inheritance: Autosomal recessive inheritance. Affected: yes.